The following is an entry in ClinVar:

ClinVar aggregate classification (germline): Uncertain significance (1 of 4 stars; one submission).

Conditions:
Inborn genetic diseases. Identifiers: MedGen C0950123, MeSH D030342.

Submission:

Ambry Genetics
Classification: Uncertain significance for Inborn genetic diseases. Last evaluated: 2019-05-30. Review status: criteria provided, single submitter. Criteria: Ambry Variant Classification Scheme 2023. Collection method: clinical testing. Allele origin: germline.
Comment: The p.L543R variant (also known as c.1628T>G), located in coding exon 7 of the HCN1 gene, results from a T to G substitution at nucleotide position 1628. The leucine at codon 543 is replaced by arginine, an amino acid with dissimilar properties. This amino acid position is highly conserved in available vertebrate species. In addition, this alteration is predicted to be deleterious by in silico analysis. Since supporting evidence is limited at this time, the clinical significance of this alteration remains unclear.

NM_021072.4(HCN1):c.1628T>G (p.Leu543Arg)

Gene: HCN1 (hyperpolarization activated cyclic nucleotide gated potassium channel 1; minus strand). Cytogenetic location: 5p12.
Variant type: single nucleotide variant.
Coding change: c.1628T>G on transcript NM_021072.4 (MANE Select); coding-DNA position 1628, T replaced by G.
Protein change: p.Leu543Arg; replaces leucine 543 with arginine.
Molecular consequence: missense variant.
Genome position (GRCh38, 1-based): chr5:45,267,244, A>C on the plus strand (T>G on the coding strand, the complement: HCN1 is on the minus strand). VCF-style: chr5-45267244-A-C. GRCh37 (hg19) VCF-style: chr5-45267346-A-C.
Other names: short protein forms L543R.
Identifiers: ClinVar variation 1776745 (VCV001776745.2), dbSNP rs2478195777, ClinGen allele CA359705994.